The following is an entry in ClinVar:

ClinVar aggregate classification (germline): Benign/Likely benign. Review status: criteria provided, multiple submitters, no conflicts (2 of 4 stars). 3 submissions from 3 submitters: Benign (2); Likely benign (1). Last evaluated 2026-03-01.

Allele frequency attached by ClinVar (database versions not stated): 1000 Genomes Project 30x 0.00031; 1000 Genomes Project 0.00040; ESP Exome Variant Server 0.00169; gnomAD 0.00171 and 0.00181; TOPMed 0.00202; ExAC 0.00218; gnomAD exomes 0.00230 and 0.00242.
gnomAD v4.1: 3,651 of 1,613,368 alleles (0.23%); highest among the groups gnomAD compares: Admixed American, 0.25%; 4 homozygotes.

Submissions (3):

CeGaT Center for Human Genetics Tuebingen
Classification: Likely benign. Last evaluated: 2026-03-01. Review status: criteria provided, single submitter. Criteria: CeGaT Center For Human Genetics Tuebingen Variant Classification Criteria Version 2. Collection method: clinical testing. Allele origin: germline. Affected: yes. Observed: 4 variant alleles.
Comment: MST1: BP4, BP7

Labcorp Genetics (formerly Invitae), Labcorp
Classification: Benign. Last evaluated: 2019-12-31. Review status: criteria provided, single submitter. Criteria: Invitae Variant Classification Sherloc (09022015). Collection method: clinical testing. Allele origin: germline.

Breakthrough Genomics
Classification: Benign. Review status: criteria provided, single submitter. Criteria: ACMG Guidelines, 2015. Collection method: not provided. Allele origin: germline. Inheritance: Unknown mechanism. Affected: yes.

NM_020998.4(MST1):c.1533C>T (p.Ser511=)

Gene: MST1 (macrophage stimulating 1; minus strand). Cytogenetic location: 3p21.31.
Variant type: single nucleotide variant.
Coding change: c.1533C>T on transcript NM_020998.4 (MANE Select); coding-DNA position 1533, C replaced by T.
Protein change: p.Ser511=; no amino-acid change (serine 511 retained).
Molecular consequence: synonymous variant. On other transcripts: missense variant (2), non-coding transcript variant (1).
Genome position (GRCh38, 1-based): chr3:49,685,273, G>A on the plus strand (C>T on the coding strand, the complement: MST1 is on the minus strand). VCF-style: chr3-49685273-G-A. GRCh37 (hg19) VCF-style: chr3-49722706-G-A.
Other names: c.1529C>T, p.Ala510Val (NM_001393581.1); c.1533C>T, p.Ser511= (NM_001393582.1); c.1403C>T, p.Ala468Val (NM_001393583.1); c.1398C>T, p.Ser466= (NM_001393584.1); c.1233C>T, p.Ser411= (NM_001393585.1); short protein forms A468V, A510V.
Identifiers: ClinVar variation 721569 (VCV000721569.29), dbSNP rs149138392, ClinGen allele CA2402631.